The following is an entry in ClinVar:

ClinVar aggregate classification (germline): Conflicting classifications of pathogenicity. Review status: criteria provided, conflicting classifications (1 of 4 stars). 8 submissions from 8 submitters: Uncertain significance (4); Likely benign (3). 1 of the submissions does not count toward it. Last evaluated 2025-10-19.

Conditions:
BRCA2-related cancer predisposition. Identifiers: MedGen CN377758, MONDO:0700269.
Hereditary cancer-predisposing syndrome. Also called: Tumor predisposition; Hereditary neoplastic syndrome; Neoplastic Syndromes, Hereditary; Hereditary Cancer Syndrome. Identifiers: Orphanet 140162, MedGen C0027672, MeSH D009386, MONDO:0015356.
Hereditary breast ovarian cancer syndrome. Also called: Hereditary breast and ovarian cancer syndrome (HBOC); Hereditary breast and ovarian cancer; Hereditary breast and ovarian cancer syndrome; Breast and ovarian cancer; Hereditary breast and/or ovarian cancer syndrome; BRCA1- and BRCA2-Associated Hereditary Breast and Ovarian Cancer. Identifiers: Orphanet 145, MedGen C0677776, MeSH D061325, MONDO:0003582. Disease mechanism: loss of function.
Breast-ovarian cancer, familial, susceptibility to, 2 (BROVCA2). Also called: BRCA2 Hereditary Breast and Ovarian Cancer. Identifiers: Orphanet 145, MedGen C2675520, MONDO:0012933, OMIM 612555. Disease mechanism: loss of function.

Allele frequency attached by ClinVar (database versions not stated): gnomAD exomes below 0.00001; TOPMed below 0.00001; gnomAD 0.00001.
gnomAD v4.1: 5 of 1,613,746 alleles (0.00031%); highest among the groups gnomAD compares: Non-Finnish European, 0.00042%; no homozygotes.

Submissions (8):

Labcorp Genetics (formerly Invitae), Labcorp
Classification: Uncertain significance for Hereditary breast ovarian cancer syndrome. Last evaluated: 2025-10-19. Review status: criteria provided, single submitter. Criteria: Invitae Variant Classification Sherloc (09022015). Collection method: clinical testing. Allele origin: germline.
Comment: This sequence change replaces leucine, which is neutral and non-polar, with proline, which is neutral and non-polar, at codon 3216 of the BRCA2 protein (p.Leu3216Pro). This variant is present in population databases (rs431825377, gnomAD 0.002%). This variant has not been reported in the literature in individuals affected with BRCA2-related conditions. ClinVar contains an entry for this variant (Variation ID: 96885). An algorithm developed to predict the effect of missense changes on protein structure and function outputs the following: PolyPhen-2: "Benign". The proline amino acid residue is found in multiple mammalian species, which suggests that this missense change does not adversely affect protein function. In summary, the available evidence is currently insufficient to determine the role of this variant in disease. Therefore, it has been classified as a Variant of Uncertain Significance.

German Consortium for Hereditary Breast and Ovarian Cancer, University Hospital Cologne
Classification: Likely benign for Hereditary breast ovarian cancer syndrome. Last evaluated: 2025-08-12. Review status: criteria provided, single submitter. Criteria: ClinGen BRCA2 V1.1.0. Collection method: curation. Allele origin: germline.
Comment: This classification follows the ClinGen ENIGMA BRCA2 v1.1.0 classification scheme; We chose this criterion: BP1 (strong benign): missense variant outside a (potentially) clinically important functional domain AND no splicing predicted (SpliceAI =0.0).

CeGaT Center for Human Genetics Tuebingen
Classification: Likely benign. Last evaluated: 2025-08-01. Review status: criteria provided, single submitter. Criteria: CeGaT Center For Human Genetics Tuebingen Variant Classification Criteria Version 2. Collection method: clinical testing. Allele origin: germline. Affected: yes. Observed: 1 variant allele.
Comment: BRCA2: BP4

Quest Diagnostics Nichols Institute San Juan Capistrano
Classification: Uncertain significance. Last evaluated: 2024-08-14. Review status: criteria provided, single submitter. Criteria: Quest Diagnostics criteria. Collection method: clinical testing. Allele origin: unknown.
Comment: The BRCA2 c.9647T>C (p.Leu3216Pro) variant has been reported in an individual with a personal and/or family history of hereditary cancer (PMID: 31853058 (2020)). This variant was reported as a variant of uncertain significance in a multifactorial likelihood study (PMID: 31131967 (2019)). The frequency of this variant in the general population, 0.0000071 (2/282734 chromosomes (Genome Aggregation Database)), is uninformative in the assessment of its pathogenicity. Analysis of this variant using bioinformatics tools for the prediction of the effect of amino acid changes on protein structure and function yielded predictions that this variant is benign. Based on the available information, we are unable to determine the clinical significance of this variant.

All of Us Research Program, National Institutes of Health
Classification: Uncertain significance for BRCA2-related cancer predisposition. Last evaluated: 2024-06-17. Review status: criteria provided, single submitter. Criteria: ACMG Guidelines, 2015. Collection method: clinical testing. Allele origin: germline. Inheritance: Autosomal dominant inheritance. Observed: 6 variant alleles, 6 heterozygotes.
Comment: This missense variant replaces leucine with proline at codon 3216 of the BRCA2 protein. Computational prediction suggests that this variant may not impact protein structure and function (internally defined REVEL score threshold <= 0.5, PMID: 27666373). To our knowledge, functional studies have not been reported for this variant. This variant has been reported in a multifactorial analysis with a segregation likelihood ratio for pathogenicity of 0.942 (PMID: 31131967). This variant has been identified in 2/282734 chromosomes in the general population by the Genome Aggregation Database (gnomAD). The available evidence is insufficient to determine the role of this variant in disease conclusively. Therefore, this variant is classified as a Variant of Uncertain Significance.

This study involves interpretation of variants in research participants for the purpose of population health screening. Participant phenotype was not available at the time of variant classification. Additional details can be found in publication PMID: 35346344, PMCID: PMC8962531

Color Diagnostics, LLC DBA Color Health
Classification: Uncertain significance for Hereditary cancer-predisposing syndrome. Last evaluated: 2024-06-05. Review status: criteria provided, single submitter. Criteria: ACMG Guidelines, 2015. Collection method: clinical testing. Allele origin: germline.
Comment: This missense variant replaces leucine with proline at codon 3216 of the BRCA2 protein. Computational prediction suggests that this variant may not impact protein structure and function. To our knowledge, functional studies have not been reported for this variant. This variant has been reported in a multifactorial analysis with a segregation likelihood ratio for pathogenicity of 0.942 (PMID: 31131967). This variant has been identified in 2/282734 chromosomes in the general population by the Genome Aggregation Database (gnomAD). The available evidence is insufficient to determine the role of this variant in disease conclusively. Therefore, this variant is classified as a Variant of Uncertain Significance.

Ambry Genetics
Classification: Likely benign for Hereditary cancer-predisposing syndrome. Last evaluated: 2018-01-31. Review status: criteria provided, single submitter. Criteria: Ambry Variant Classification Scheme 2023. Collection method: clinical testing. Allele origin: germline.

Sharing Clinical Reports Project (SCRP)
Classification: Uncertain significance for Breast-ovarian cancer, familial 2. Last evaluated: 2011-08-15. Review status: no assertion criteria provided. Collection method: clinical testing. Allele origin: germline. Not counted in ClinVar's aggregate classification.

Literature cited by the submitters: PubMed 31131967 (cited by 3 submitters); PubMed 31853058 (cited by Quest Diagnostics Nichols Institute San Juan Capistrano).

NM_000059.4(BRCA2):c.9647T>C (p.Leu3216Pro)

Gene: BRCA2 (BRCA2 DNA repair associated; plus strand). Cytogenetic location: 13q13.1.
Variant type: single nucleotide variant.
Coding change: c.9647T>C on transcript NM_000059.4 (MANE Select); coding-DNA position 9647, T replaced by C.
Protein change: p.Leu3216Pro; replaces leucine 3216 with proline.
Molecular consequence: missense variant.
Genome position (GRCh38, 1-based): chr13:32,397,043, T>C. VCF-style: chr13-32397043-T-C. GRCh37 (hg19) VCF-style: chr13-32971180-T-C.
Other names: 9875T>C; short protein forms L3216P.
Identifiers: ClinVar variation 96885 (VCV000096885.30), dbSNP rs431825377, ClinGen allele CA026245.
Genomic context (GRCh38, chr13:32,397,043, plus strand): 5'-AAGACTGTACTTCAGGGCCGTACACTGCTCAAATCATTCCTGGTACAGGAAACAAGCTTC[T>C]GGTAAGTTAATGTAAACTCAAGGAATATTATAAGAAGTATATATGGAGGCCATCGTATAT-3'
Protein context (NP_000050.3, residues 3206-3226): QIIPGTGNKL[Leu3216Pro]MSSPNCEIYY